The following is an entry in ClinVar:

ClinVar aggregate classification (germline): Benign. Review status: criteria provided, multiple submitters, no conflicts (2 of 4 stars). 3 submissions from 2 submitters: Benign (3). Last evaluated 2018-01-13.

Conditions:
Isolated microphthalmia 2. Identifiers: Orphanet 2542, MedGen C1864720, MONDO:0012409, OMIM 610093.
Microphthalmia, isolated, with coloboma 3 (MCOPCB3). Also called: MICROPHTHALMIA/COLOBOMA 3; MICROPHTHALMIA, COLOBOMATOUS, 3. Identifiers: Orphanet 98938, MedGen C1864721, MONDO:0012408, OMIM 610092.

Allele frequency attached by ClinVar (database versions not stated): gnomAD exomes 0.09712; gnomAD 0.18564 and 0.18128; TOPMed 0.18945; 1000 Genomes Project 0.23682; 1000 Genomes Project 30x 0.23017.
gnomAD v4.1: 28,221 of 153,302 alleles (18%); highest among the groups gnomAD compares: South Asian, 32%; 2,963 homozygotes.

Submissions (3):

Illumina Laboratory Services, Illumina
Classification: Benign for Microphthalmia, isolated, with coloboma 3. Last evaluated: 2018-01-13. Review status: criteria provided, single submitter. Criteria: ICSL Variant Classification Criteria 13 December 2019. Collection method: clinical testing. Allele origin: germline.
Comment: This variant was observed in the ICSL laboratory as part of a predisposition screen in an ostensibly healthy population. It had not been previously curated by ICSL or reported in the Human Gene Mutation Database (HGMD: prior to June 1st, 2018), and was therefore a candidate for classification through an automated scoring system. Utilizing variant allele frequency, disease prevalence and penetrance estimates, and inheritance mode, an automated score was calculated to assess if this variant is too frequent to cause the disease. Based on the score and internal cut-off values, a variant classified as benign is not then subjected to further curation. The score for this variant resulted in a classification of benign for this disease.

Illumina Laboratory Services, Illumina
Classification: Benign for Isolated microphthalmia 2. Last evaluated: 2018-01-13. Review status: criteria provided, single submitter. Criteria: ICSL Variant Classification Criteria 13 December 2019. Collection method: clinical testing. Allele origin: germline.
Comment: the same text as in the submission from Illumina Laboratory Services, Illumina above.

Breakthrough Genomics
Classification: Benign. Review status: criteria provided, single submitter. Criteria: ACMG Guidelines, 2015. Collection method: not provided. Allele origin: germline. Inheritance: Autosomal recessive inheritance. Affected: yes.

NM_182894.3(VSX2):c.*579C>T

Gene: VSX2 (visual system homeobox 2; plus strand). Cytogenetic location: 14q24.3.
Variant type: single nucleotide variant.
Coding change: c.*579C>T on transcript NM_182894.3 (MANE Select); 579 bases downstream of the stop codon, C replaced by T.
Molecular consequence: 3 prime UTR variant.
Genome position (GRCh38, 1-based): chr14:74,261,498, C>T. VCF-style: chr14-74261498-C-T. GRCh37 (hg19) VCF-style: chr14-74728201-C-T.
Identifiers: ClinVar variation 314213 (VCV000314213.6), dbSNP rs12588074, ClinGen allele CA10646017.